The following is an entry in ClinVar:

NM_032634.4(PIGO):c.2555C>T (p.Ala852Val)

Gene: PIGO (phosphatidylinositol glycan anchor biosynthesis class O; minus strand). Cytogenetic location: 9p13.3.
Variant type: single nucleotide variant.
Coding change: c.2555C>T on transcript NM_032634.4 (MANE Select); coding-DNA position 2555, C replaced by T.
Protein change: p.Ala852Val; replaces alanine 852 with valine.
Molecular consequence: missense variant. On other transcripts: intron variant (2).
Genome position (GRCh38, 1-based): chr9:35,091,332, G>A on the plus strand (C>T on the coding strand, the complement: PIGO is on the minus strand). VCF-style: chr9-35091332-G-A. GRCh37 (hg19) VCF-style: chr9-35091329-G-A.
Other names: c.1345-41C>T (NM_152850.4, NM_001201484.2); short protein forms A852V.
Identifiers: ClinVar variation 934996 (VCV000934996.8), dbSNP rs768909165, ClinGen allele CA5040395.

ClinVar aggregate classification (germline): Uncertain significance (1 of 4 stars; one submission).

Conditions:
Hyperphosphatasia with impaired intellectual development syndrome 2. Also called: Hyperphosphatasia with intellectual disability syndrome 2; GLYCOSYLPHOSPHATIDYLINOSITOL BIOSYNTHESIS DEFECT 6. Identifiers: Orphanet 247262, MedGen C3553637, MONDO:0013882, OMIM 614749.

Allele frequency attached by ClinVar (database versions not stated): ExAC 0.00001; gnomAD 0.00001; gnomAD exomes 0.00001 and below 0.00001; TOPMed 0.00001.
gnomAD v4.1: 7 of 1,614,062 alleles (0.00043%); highest among the groups gnomAD compares: Admixed American, 0.0017%; no homozygotes.

Submission:

Labcorp Genetics (formerly Invitae), Labcorp
Classification: Uncertain significance for Hyperphosphatasia with impaired intellectual development syndrome 2. Last evaluated: 2019-05-16. Review status: criteria provided, single submitter. Criteria: Invitae Variant Classification Sherloc (09022015). Collection method: clinical testing. Allele origin: germline.
Comment: This sequence change replaces alanine with valine at codon 852 of the PIGO protein (p.Ala852Val). The alanine residue is weakly conserved and there is a small physicochemical difference between alanine and valine. This variant is present in population databases (rs768909165, ExAC 0.006%). In summary, the available evidence is currently insufficient to determine the role of this variant in disease. Therefore, it has been classified as a Variant of Uncertain Significance. Algorithms developed to predict the effect of missense changes on protein structure and function output the following: SIFT: "Tolerated"; PolyPhen-2: "Benign"; Align-GVGD: "Class C0". The valine amino acid residue is found in multiple mammalian species, suggesting that this missense change does not adversely affect protein function. These predictions have not been confirmed by published functional studies and their clinical significance is uncertain. This variant has not been reported in the literature in individuals with PIGO-related conditions.